The following is an entry in ClinVar:

NM_003106.4(SOX2):c.875T>A (p.Leu292His)

Genes: SOX2 (SRY-box transcription factor 2; plus strand), SOX2-OT (SOX2 overlapping transcript; plus strand). Cytogenetic location: 3q26.33.
Variant type: single nucleotide variant.
Coding change: c.875T>A on transcript NM_003106.4 (MANE Select); coding-DNA position 875, T replaced by A.
Protein change: p.Leu292His; replaces leucine 292 with histidine.
Molecular consequence: missense variant.
Genome position (GRCh38, 1-based): chr3:181,713,235, T>A. VCF-style: chr3-181713235-T-A. GRCh37 (hg19) VCF-style: chr3-181431023-T-A.
Other names: short protein forms L292H.
Identifiers: ClinVar variation 5000799 (VCV005000799.1).

ClinVar aggregate classification (germline): Uncertain significance (1 of 4 stars; one submission).

Conditions:
SOX2-related disorder. Also called: SOX2-related condition.

Submission:

PreventionGenetics, part of Exact Sciences
Classification: Uncertain significance for SOX2-related condition. Last evaluated: 2026-01-12. Review status: criteria provided, single submitter. Criteria: ACMG Guidelines, 2015. Collection method: clinical testing. Allele origin: germline.
Comment: The SOX2 c.875T>A variant is predicted to result in the amino acid substitution p.Leu292His. To our knowledge, this variant has not been reported in the literature or in a large population database (gnomAD), indicating this variant is rare. At this time, the clinical significance of this variant is uncertain due to the absence of conclusive functional and genetic evidence.